The following is an entry in ClinVar:

NM_006361.6(HOXB13):c.536A>C (p.Asn179Thr)

Gene: HOXB13 (homeobox B13; minus strand). Cytogenetic location: 17q21.32.
Variant type: single nucleotide variant.
Coding change: c.536A>C on transcript NM_006361.6 (MANE Select); coding-DNA position 536, A replaced by C.
Protein change: p.Asn179Thr; replaces asparagine 179 with threonine.
Molecular consequence: missense variant.
Genome position (GRCh38, 1-based): chr17:48,728,058, T>G on the plus strand (A>C on the coding strand, the complement: HOXB13 is on the minus strand). VCF-style: chr17-48728058-T-G. GRCh37 (hg19) VCF-style: chr17-46805420-T-G.
Other names: short protein forms N179T.
Identifiers: ClinVar variation 1747094 (VCV001747094.2), dbSNP rs2143071244, ClinGen allele CA400107245.
Genomic context (GRCh38, chr17:48,728,058, plus strand): 5'-AATGCTGCCTTCCAAAAGGGACCTGGTGGGTTCTGTTCTCCCTGGCAACACATCTGGCTG[T>G]TCCAGCCACCAGCGAGAGCCCAAGACTGGTAACTGTCCACAGGCAACAGGGAGTCATGTC-3'
Protein context (NP_006352.2, residues 169-189): YQSWALAGGW[Asn179Thr]SQMCCQGEQN

ClinVar aggregate classification (germline): Uncertain significance (1 of 4 stars; one submission).

Conditions:
Hereditary cancer-predisposing syndrome. Also called: Hereditary Cancer Syndrome; Neoplastic Syndromes, Hereditary; Tumor predisposition; Hereditary neoplastic syndrome. Identifiers: Orphanet 140162, MedGen C0027672, MeSH D009386, MONDO:0015356.

Submission:

Ambry Genetics
Classification: Uncertain significance for Hereditary cancer-predisposing syndrome. Last evaluated: 2022-03-01. Review status: criteria provided, single submitter. Criteria: Ambry Variant Classification Scheme 2023. Collection method: clinical testing. Allele origin: germline.
Comment: The p.N179T variant (also known as c.536A>C), located in coding exon 1 of the HOXB13 gene, results from an A to C substitution at nucleotide position 536. The asparagine at codon 179 is replaced by threonine, an amino acid with similar properties. This amino acid position is conserved. In addition, this alteration is predicted to be tolerated by in silico analysis. Since supporting evidence is limited at this time, the clinical significance of this alteration remains unclear.